The following is an entry in ClinVar:

ClinVar aggregate classification (germline): Uncertain significance. Review status: criteria provided, multiple submitters, no conflicts (2 of 4 stars). 4 submissions from 4 submitters: Uncertain significance (4). Last evaluated 2025-11-08.

Conditions:
MHC class II deficiency. Also called: Bare lymphocyte syndrome 2; BLS, TYPE II. Identifiers: Orphanet 572, MedGen C5447452, MONDO:0008855.

Allele frequency attached by ClinVar (database versions not stated): gnomAD exomes 0.00010; TOPMed 0.00006; gnomAD 0.00009; ESP Exome Variant Server 0.00015.
gnomAD v4.1: 162 of 1,612,890 alleles (0.01%); highest among the groups gnomAD compares: Non-Finnish European, 0.013%; no homozygotes.

Submissions (4):

Ambry Genetics
Classification: Uncertain significance. Last evaluated: 2025-11-08. Review status: criteria provided, single submitter. Criteria: Ambry Variant Classification Scheme 2023. Collection method: clinical testing. Allele origin: germline.

Genome-Nilou Lab
Classification: Uncertain significance for MHC class II deficiency 1. Last evaluated: 2023-04-11. Review status: criteria provided, single submitter. Criteria: ACMG Guidelines, 2015. Collection method: clinical testing. Allele origin: germline. Affected: no.

Labcorp Genetics (formerly Invitae), Labcorp
Classification: Uncertain significance for MHC class II deficiency. Last evaluated: 2022-08-23. Review status: criteria provided, single submitter. Criteria: Invitae Variant Classification Sherloc (09022015). Collection method: clinical testing. Allele origin: germline.
Comment: This sequence change replaces serine, which is neutral and polar, with leucine, which is neutral and non-polar, at codon 313 of the RFX5 protein (p.Ser313Leu). This variant is present in population databases (rs140885618, gnomAD 0.01%). This variant has not been reported in the literature in individuals affected with RFX5-related conditions. ClinVar contains an entry for this variant (Variation ID: 292615). Algorithms developed to predict the effect of missense changes on protein structure and function output the following: SIFT: "Tolerated"; PolyPhen-2: "Benign"; Align-GVGD: "Class C0". The leucine amino acid residue is found in multiple mammalian species, which suggests that this missense change does not adversely affect protein function. In summary, the available evidence is currently insufficient to determine the role of this variant in disease. Therefore, it has been classified as a Variant of Uncertain Significance.

Illumina Laboratory Services, Illumina
Classification: Uncertain significance for MHC class II deficiency 1. Last evaluated: 2018-01-13. Review status: criteria provided, single submitter. Criteria: ICSL Variant Classification Criteria 13 December 2019. Collection method: clinical testing. Allele origin: germline.

NM_001025603.2(RFX5):c.938C>T (p.Ser313Leu)

Gene: RFX5 (regulatory factor X5; minus strand). Cytogenetic location: 1q21.3.
Variant type: single nucleotide variant.
Coding change: c.938C>T on transcript NM_001025603.2 (MANE Select); coding-DNA position 938, C replaced by T.
Protein change: p.Ser313Leu; replaces serine 313 with leucine.
Molecular consequence: missense variant.
Genome position (GRCh38, 1-based): chr1:151,343,099, G>A on the plus strand (C>T on the coding strand, the complement: RFX5 is on the minus strand). VCF-style: chr1-151343099-G-A. GRCh37 (hg19) VCF-style: chr1-151315575-G-A.
Other names: c.938C>T, p.Ser313Leu (NM_000449.4, NM_001379412.1, NM_001379413.1 and 5 more transcripts); c.818C>T, p.Ser273Leu (NM_001379419.1, NM_001379420.1); short protein forms S313L, S273L.
Identifiers: ClinVar variation 292615 (VCV000292615.14), dbSNP rs140885618, ClinGen allele CA1089700.